The following is an entry in ClinVar:

ClinVar aggregate classification (germline): Pathogenic (1 of 4 stars; one submission).

Conditions:
Epidermolysis bullosa simplex 1A, generalized severe (EBS1A). Also called: Epidermolysis bullosa simplex Dowling-Meara type. Identifiers: Orphanet 79396, MedGen C0079295, MONDO:0007550, OMIM 131760.

Submission:

Centro de Genética y Biología Molecular, Universidad de San Martín de Porres
Classification: Pathogenic for Epidermolysis bullosa simplex 1A, generalized severe. Last evaluated: 2025-01-20. Review status: criteria provided, single submitter. Criteria: ACMG Guidelines, 2015. Collection method: research. Allele origin: unknown. Inheritance: Autosomal dominant inheritance. Affected: yes.
Comment: This variant is Pathogenic, causing a frameshift mutation in exon6 of the KRT14 gene. No rs or previous report of this change exists on the literature. This change is predicted to cause a protein truncation. It occurs close to the highly conserved helix termination (HTP) motif in the central rod domain of keratin 14. We do not have data from population studies indicating it is not a common variant . For this reason, we consider this variant to be pathogenic. The tongue has regions with and without papilae. Erosions are superficial and can heal easily, without bleeding episodes. No renal, ocular or involvement of other systems. Malnutrition and anemia.

NM_000526.5(KRT14):c.1225del (p.Glu409fs)

Gene: KRT14 (keratin 14; minus strand). Cytogenetic location: 17q21.2.
Variant type: Deletion.
Coding change: c.1225del on transcript NM_000526.5 (MANE Select); coding-DNA position 1225, one base deleted (G; older notation c.1225delG).
Protein change: p.Glu409fs; shifts the reading frame from glutamic acid 409.
Molecular consequence: frameshift variant.
Genome position (GRCh38, 1-based): chr17:41,583,284, C deleted on the plus strand (G on the coding strand, the reverse complement: KRT14 is on the minus strand); the first of 2 consecutive C bases (chr17:41,583,284-41,583,285); deleting either gives the same sequence. VCF-style (leftmost placement, unchanged base first): chr17-41583283-TC-T. GRCh37 (hg19) VCF-style: chr17-39739535-TC-T.
Other names: short protein forms E409fs.
Identifiers: ClinVar variation 4280327 (VCV004280327.1).
Genomic context (GRCh38, chr17:41,583,283, plus strand): 5'-GCCAAGACTCACTGGGCGTCCTCGCCCTCCAGCAGGCGGCGGTAGGTGGCGATCTCCTGC[TC>T]CAGCCGCGTCTTCACGTCCAGCAGGATCTTGTACTCCTGGTTCTGCTGCTCCATCTCGCA-3'